The following is an entry in ClinVar:

NM_001148.6(ANK2):c.1773T>C (p.Ser591=)

Gene: ANK2 (ankyrin 2; plus strand). Cytogenetic location: 4q26.
Variant type: single nucleotide variant.
Coding change: c.1773T>C on transcript NM_001148.6 (MANE Select); coding-DNA position 1773, T replaced by C.
Protein change: p.Ser591=; no amino-acid change (serine 591 retained).
Molecular consequence: synonymous variant.
Genome position (GRCh38, 1-based): chr4:113,277,926, T>C. VCF-style: chr4-113277926-T-C. GRCh37 (hg19) VCF-style: chr4-114199082-T-C.
Other names: p.S591S:TCT>TCC; c.1710T>C, p.Ser570= (NM_001127493.3, NM_001354239.2, NM_001354243.2 and 14 more transcripts); c.1773T>C, p.Ser591= (NM_001354225.2, NM_001354228.2, NM_001354232.2 and 8 more transcripts); c.1818T>C, p.Ser606= (NM_001354230.2, NM_001354231.2, NM_001354237.2 and 5 more transcripts); c.1686T>C, p.Ser562= (NM_001354249.2, NM_001354260.2, NM_001354264.2 and 13 more transcripts); c.1731T>C, p.Ser577= (NM_001354261.2, NM_001386147.1, NM_001386160.1); c.1563T>C, p.Ser521= (NM_001354269.3); c.1575T>C, p.Ser525= (NM_001354273.2); and 5 more.
Identifiers: ClinVar variation 190521 (VCV000190521.39), dbSNP rs374775005, ClinGen allele CA300687.
Genomic context (GRCh38, chr4:113,277,926, plus strand): 5'-CAAGTATGGAAGCCTGGATGTGGCAAAACTTCTCTTGCAACGCCGTGCTGCCGCAGATTC[T>C]GCAGGGAAGGTAAAGATTTTCTATACGTTATAATTATGTAACAGTGAAGGTGATAGATTA-3'
Protein context (NP_001139.3, residues 581-601): LLLQRRAAAD[Ser591=]AGKNGLTPLH

ClinVar aggregate classification (germline): Conflicting classifications of pathogenicity. Review status: criteria provided, conflicting classifications (1 of 4 stars). 5 submissions from 5 submitters: Uncertain significance (1); Benign (1); Likely benign (3). Last evaluated 2025-11-03.

Conditions:
Cardiovascular phenotype. Identifiers: MedGen CN230736.
Long QT syndrome (LQTS). Identifiers: MedGen C0023976, MeSH D008133, MONDO:0002442. Disease mechanism: loss of function. Inheritance: Various modes of inheritance.

Allele frequency attached by ClinVar (database versions not stated): ExAC 0.00004; gnomAD 0.00004; gnomAD exomes 0.00005 and 0.00008; ESP Exome Variant Server 0.00008; TOPMed 0.00010.
gnomAD v4.1: 119 of 1,613,488 alleles (0.0074%); highest among the groups gnomAD compares: Non-Finnish European, 0.0091%; no homozygotes.

Submissions (5):

Labcorp Genetics (formerly Invitae), Labcorp
Classification: Likely benign for Long QT syndrome. Last evaluated: 2025-11-03. Review status: criteria provided, single submitter. Criteria: Invitae Variant Classification Sherloc (09022015). Collection method: clinical testing. Allele origin: germline.

CeGaT Center for Human Genetics Tuebingen
Classification: Likely benign. Last evaluated: 2022-09-01. Review status: criteria provided, single submitter. Criteria: CeGaT Center For Human Genetics Tuebingen Variant Classification Criteria Version 2. Collection method: clinical testing. Allele origin: germline. Affected: yes. Observed: 1 variant allele.
Comment: ANK2: BP4, BP7

Ambry Genetics
Classification: Likely benign for Cardiovascular phenotype. Last evaluated: 2021-01-21. Review status: criteria provided, single submitter. Criteria: Ambry Variant Classification Scheme 2023. Collection method: clinical testing. Allele origin: germline.

Eurofins Ntd Llc (ga)
Classification: Uncertain significance. Last evaluated: 2016-10-19. Review status: criteria provided, single submitter. Criteria: EGL Classification Definitions 2015. Collection method: clinical testing. Allele origin: germline. Observed: 1 variant allele, 1 heterozygote.

GeneDx
Classification: Benign. Last evaluated: 2014-06-30. Review status: criteria provided, single submitter. Criteria: GeneDx Variant Classification (06012015). Collection method: clinical testing. Allele origin: germline. Affected: yes.
Comment: This variant is considered likely benign or benign based on one or more of the following criteria: it is a conservative change, it occurs at a poorly conserved position in the protein, it is predicted to be benign by multiple in silico algorithms, and/or has population frequency not consistent with disease.